The following is an entry in ClinVar:

NM_000455.5(STK11):c.298del (p.Gln100fs)

Gene: STK11 (serine/threonine kinase 11; plus strand). Cytogenetic location: 19p13.3.
Variant type: Deletion.
Coding change: c.298del on transcript NM_000455.5 (MANE Select); coding-DNA position 298, one base deleted (C; older notation c.298delC).
Protein change: p.Gln100fs; shifts the reading frame from glutamine 100.
Molecular consequence: frameshift variant. On other transcripts: non-coding transcript variant (1).
Genome position (GRCh38, 1-based): chr19:1,218,424, C deleted. VCF-style (leftmost placement, unchanged base first): chr19-1218423-TC-T. GRCh37 (hg19) VCF-style: chr19-1218422-TC-T.
Other names: c.298del, p.Gln100fs (NM_001407255.1); short protein forms Q100fs.
Identifiers: ClinVar variation 4999090 (VCV004999090.1).

ClinVar aggregate classification (germline): Pathogenic (1 of 4 stars; one submission).

Conditions:
STK11-related disorder. Also called: STK11-related condition.

Submission:

PreventionGenetics, part of Exact Sciences
Classification: Pathogenic for STK11-related condition. Last evaluated: 2025-06-17. Review status: criteria provided, single submitter. Criteria: ACMG Guidelines, 2015. Collection method: clinical testing. Allele origin: germline.
Comment: The STK11 c.298delC variant is predicted to result in a frameshift and premature protein termination (p.Gln100Asnfs*3). To our knowledge, this variant has not been reported in the literature or in a large population database (gnomAD), indicating this variant is rare. At this time, this variant is absent in the ClinVar database. Frameshift variants in STK11 are expected to be pathogenic. This variant is interpreted as pathogenic.